The following is an entry in ClinVar:

NM_000181.4(GUSB):c.1244C>T (p.Pro415Leu)

Gene: GUSB (glucuronidase beta; minus strand). Cytogenetic location: 7q11.21.
Variant type: single nucleotide variant.
Coding change: c.1244C>T on transcript NM_000181.4 (MANE Select); coding-DNA position 1244, C replaced by T.
Protein change: p.Pro415Leu; replaces proline 415 with leucine.
Molecular consequence: missense variant. On other transcripts: non-coding transcript variant (1).
Genome position (GRCh38, 1-based): chr7:65,974,526, G>A on the plus strand (C>T on the coding strand, the complement: GUSB is on the minus strand). VCF-style: chr7-65974526-G-A. GRCh37 (hg19) VCF-style: chr7-65439513-G-A.
Other names: c.806C>T, p.Pro269Leu (NM_001284290.2); c.674C>T, p.Pro225Leu (NM_001293104.2); c.587C>T, p.Pro196Leu (NM_001293105.2); short protein forms P196L, P225L, P269L, P415L.
Identifiers: ClinVar variation 1324522 (VCV001324522.6), dbSNP rs751025746, ClinGen allele CA4276346.

ClinVar aggregate classification (germline): Uncertain significance. Review status: criteria provided, multiple submitters, no conflicts (2 of 4 stars). 3 submissions from 3 submitters: Uncertain significance (3). Last evaluated 2023-08-04.

Conditions:
Mucopolysaccharidosis type 7 (MPS7). Also called: BETA-GLUCURONIDASE DEFICIENCY; GUSB DEFICIENCY; MPS VII; SLY SYNDROME. Identifiers: Orphanet 584, MedGen C0085132, MONDO:0009662, OMIM 253220.

Allele frequency attached by ClinVar (database versions not stated): gnomAD exomes 0.00002; ExAC 0.00003; gnomAD 0.00003 and 0.00004; TOPMed 0.00003.
gnomAD v4.1: 47 of 1,614,020 alleles (0.0029%); highest among the groups gnomAD compares: Admixed American, 0.015%; no homozygotes.

Submissions (3):

Women's Health and Genetics/Laboratory Corporation of America, LabCorp
Classification: Uncertain significance. Last evaluated: 2023-08-04. Review status: criteria provided, single submitter. Criteria: LabCorp Variant Classification Summary - May 2015. Collection method: clinical testing. Allele origin: germline.
Comment: Variant summary: GUSB c.1244C>T (p.Pro415Leu) results in a non-conservative amino acid change located in the catalytic domain (IPR006103) of the encoded protein sequence. Three of five in-silico tools predict a benign effect of the variant on protein function. In addition, this variant disrupts the last nucleotide of exon 7, and therefore can affect splicing. Several computational tools predict a significant impact on normal splicing: three predict the variant weakens a 5' donor site. However, these predictions have yet to be confirmed by functional studies. The variant allele was found at a frequency of 2e-05 in 251660 control chromosomes (gnomAD). The available data on variant occurrences in the general population are insufficient to allow any conclusion about variant significance. c.1244C>T has been reported in the literature in individuals affected with Mucopolysaccharidosis Type VII (Sly Syndrome), however, the variant was reported either in cis with c.1222C>T (p.Pro408Ser) or phase was not specified (e.g., Islam_1996, Islam_1998, Montano_2016). These reports therefore do not provide unequivocal conclusions about association of the variant with Mucopolysaccharidosis Type VII (Sly Syndrome). At least one publication reports experimental evidence evaluating an impact on protein function, finding that although the variant affected C-terminal processing and enzyme secretion suggesting the variant may impact protein folding, the variant protein also displayed comparable levels of beta-glucuronidase activity to wild-type in vitro (e.g, Islam_1996). Additionally, when the variant was expressed in cis with p.Pro408Ser, enzymatic activity was dramatically reduced to 10-15% of wild-type activity (e.g., Islam_1996). The following publications have been ascertained in the context of this evaluation (PMID: 16546179, 8707294, 9742570, 26415878, 26908836, 19224584). Two submitters have reported clinical-significance assessments for this variant to ClinVar after 2014. All submitters classified the variant as uncertain significance. Based on the evidence outlined above, the variant was classified as uncertain significance.

Labcorp Genetics (formerly Invitae), Labcorp
Classification: Uncertain significance for Mucopolysaccharidosis type 7. Last evaluated: 2022-08-23. Review status: criteria provided, single submitter. Criteria: Invitae Variant Classification Sherloc (09022015). Collection method: clinical testing. Allele origin: germline.
Comment: This sequence change replaces proline, which is neutral and non-polar, with leucine, which is neutral and non-polar, at codon 415 of the GUSB protein (p.Pro415Leu). This variant is present in population databases (rs751025746, gnomAD 0.009%). This missense change has been observed in individual(s) with mucopolysaccharidosis type VII (PMID: 8707294, 19224584). ClinVar contains an entry for this variant (Variation ID: 1324522). Algorithms developed to predict the effect of missense changes on protein structure and function (SIFT, PolyPhen-2, Align-GVGD) all suggest that this variant is likely to be tolerated. Experimental studies are conflicting or provide insufficient evidence to determine the effect of this variant on GUSB function (PMID: 8707294). In summary, the available evidence is currently insufficient to determine the role of this variant in disease. Therefore, it has been classified as a Variant of Uncertain Significance.

Fulgent Genetics
Classification: Uncertain significance for Mucopolysaccharidosis type 7. Last evaluated: 2021-08-31. Review status: criteria provided, single submitter. Criteria: ACMG Guidelines, 2015. Collection method: clinical testing. Allele origin: unknown.

Literature cited by the submitters: PubMed 8707294 (cited by Women's Health and Genetics/Laboratory Corporation of America, LabCorp and Labcorp Genetics (formerly Invitae), Labcorp); PubMed 9742570 (cited by Women's Health and Genetics/Laboratory Corporation of America, LabCorp); PubMed 19224584 (cited by Women's Health and Genetics/Laboratory Corporation of America, LabCorp and Labcorp Genetics (formerly Invitae), Labcorp); PubMed 16546179 (cited by Women's Health and Genetics/Laboratory Corporation of America, LabCorp); PubMed 26415878 (cited by Women's Health and Genetics/Laboratory Corporation of America, LabCorp); PubMed 26908836 (cited by Women's Health and Genetics/Laboratory Corporation of America, LabCorp).